The following is an entry in ClinVar:

NM_020884.7(MYH7B):c.3466C>T (p.Arg1156Trp)

Gene: MYH7B (myosin heavy chain 7B; plus strand). Cytogenetic location: 20q11.22.
Variant type: single nucleotide variant.
Coding change: c.3466C>T on transcript NM_020884.7 (MANE Select); coding-DNA position 3466, C replaced by T.
Protein change: p.Arg1156Trp; replaces arginine 1156 with tryptophan.
Molecular consequence: missense variant.
Genome position (GRCh38, 1-based): chr20:34,997,359, C>T. VCF-style: chr20-34997359-C-T. GRCh37 (hg19) VCF-style: chr20-33585162-C-T.
Other names: c.3592C>T (NM_020884.3); short protein forms R1156W.
Identifiers: ClinVar variation 2420153 (VCV002420153.10), dbSNP rs367770874, ClinGen allele CA9827741.

ClinVar aggregate classification (germline): Uncertain significance. Review status: criteria provided, multiple submitters, no conflicts (2 of 4 stars). 2 submissions from 2 submitters: Uncertain significance (2). Last evaluated 2025-12-09.

Allele frequency attached by ClinVar (database versions not stated): gnomAD 0.00002; ExAC 0.00008; ESP Exome Variant Server 0.00009.
gnomAD v4.1: 13 of 1,531,734 alleles (0.00085%); highest among the groups gnomAD compares: Admixed American, 0.0043%; no homozygotes.

Submissions (2):

Ambry Genetics
Classification: Uncertain significance. Last evaluated: 2025-12-09. Review status: criteria provided, single submitter. Criteria: Ambry Variant Classification Scheme 2023. Collection method: clinical testing. Allele origin: germline.

Labcorp Genetics (formerly Invitae), Labcorp
Classification: Uncertain significance. Last evaluated: 2024-10-24. Review status: criteria provided, single submitter. Criteria: Invitae Variant Classification Sherloc (09022015). Collection method: clinical testing. Allele origin: germline.
Comment: This sequence change replaces arginine, which is basic and polar, with tryptophan, which is neutral and slightly polar, at codon 1198 of the MYH7B protein (p.Arg1198Trp). This variant is present in population databases (rs367770874, gnomAD 0.007%). This variant has not been reported in the literature in individuals affected with MYH7B-related conditions. ClinVar contains an entry for this variant (Variation ID: 2420153). Invitae Evidence Modeling of protein sequence and biophysical properties (such as structural, functional, and spatial information, amino acid conservation, physicochemical variation, residue mobility, and thermodynamic stability) indicates that this missense variant is expected to disrupt MYH7B protein function with a positive predictive value of 80%. In summary, the available evidence is currently insufficient to determine the role of this variant in disease. Therefore, it has been classified as a Variant of Uncertain Significance.